The following is an entry in ClinVar:

ClinVar aggregate classification (germline): Likely benign (1 of 4 stars; one submission).

Conditions:
ARX-related disorder. Also called: ARX-Related Disorders; ARX-related condition. Identifiers: MedGen CN378769.

Submission:

PreventionGenetics, part of Exact Sciences
Classification: Likely benign for ARX-related condition. Last evaluated: 2026-08-02. Review status: criteria provided, single submitter. Criteria: ACMG Guidelines, 2015. Collection method: clinical testing. Allele origin: germline.
Comment: This variant is classified as likely benign based on ACMG/AMP sequence variant interpretation guidelines (Richards et al. 2015 PMID: 25741868, with internal and published modifications).

NM_139058.3(ARX):c.573G>A (p.Glu191=)

Gene: ARX (aristaless related homeobox; minus strand). Cytogenetic location: Xp21.3.
Variant type: single nucleotide variant.
Coding change: c.573G>A on transcript NM_139058.3 (MANE Select); coding-DNA position 573, G replaced by A.
Protein change: p.Glu191=; no amino-acid change (glutamic acid 191 retained).
Molecular consequence: synonymous variant.
Genome position (GRCh38, 1-based): chrX:25,013,422, C>T on the plus strand (G>A on the coding strand, the complement: ARX is on the minus strand). VCF-style: chrX-25013422-C-T. GRCh37 (hg19) VCF-style: chrX-25031539-C-T.
Identifiers: ClinVar variation 4994252 (VCV004994252.1).